The following is an entry in ClinVar:

ClinVar aggregate classification (germline): Benign. Review status: criteria provided, multiple submitters, no conflicts (2 of 4 stars). 8 submissions from 8 submitters: Benign (7). 1 of the submissions does not count toward it. Last evaluated 2026-01-25.

Conditions:
SEPTIN9-related disorder. Also called: SEPTIN9-related condition.
Amyotrophic neuralgia (HNA). Also called: AMYOTROPHY, HEREDITARY NEURALGIC; Hereditary Brachial Plexus Neuropathy; Neuritis with Brachial Predilection; AMYOTROPHY, HEREDITARY NEURALGIC, WITH PREDILECTION FOR BRACHIAL PLEXUS. Identifiers: Orphanet 2901, MedGen C1834304, MONDO:0008076, OMIM 162100.

Allele frequency attached by ClinVar (database versions not stated): gnomAD exomes 0.00428 and 0.01017; ESP Exome Variant Server 0.00644; gnomAD 0.01048 and 0.01116; TOPMed 0.01202; ExAC 0.01597; 1000 Genomes Project 30x 0.02077; 1000 Genomes Project 0.02117.
gnomAD v4.1: 7,998 of 1,606,656 alleles (0.5%); highest among the groups gnomAD compares: East Asian, 8.4%; 193 homozygotes.

Submissions (8):

Labcorp Genetics (formerly Invitae), Labcorp
Classification: Benign. Last evaluated: 2026-01-25. Review status: criteria provided, single submitter. Criteria: Invitae Variant Classification Sherloc (09022015). Collection method: clinical testing. Allele origin: germline.

Mayo Clinic Laboratories, Mayo Clinic
Classification: Benign. Last evaluated: 2022-03-24. Review status: criteria provided, single submitter. Criteria: ACMG Guidelines, 2015. Collection method: clinical testing. Allele origin: germline. Observed: 2 variant alleles.

Genome-Nilou Lab
Classification: Benign for Amyotrophic neuralgia. Last evaluated: 2021-12-05. Review status: criteria provided, single submitter. Criteria: ACMG Guidelines, 2015. Collection method: clinical testing. Allele origin: germline. Affected: no.

GeneDx
Classification: Benign. Last evaluated: 2018-07-27. Review status: criteria provided, single submitter. Criteria: GeneDx Variant Classification Process June 2021. Collection method: clinical testing. Allele origin: germline. Affected: yes.

Illumina Laboratory Services, Illumina
Classification: Benign for Amyotrophy, hereditary neuralgic. Last evaluated: 2018-01-13. Review status: criteria provided, single submitter. Criteria: ICSL Variant Classification Criteria 13 December 2019. Collection method: clinical testing. Allele origin: germline.
Comment: This variant was observed in the ICSL laboratory as part of a predisposition screen in an ostensibly healthy population. It had not been previously curated by ICSL or reported in the Human Gene Mutation Database (HGMD: prior to June 1st, 2018), and was therefore a candidate for classification through an automated scoring system. Utilizing variant allele frequency, disease prevalence and penetrance estimates, and inheritance mode, an automated score was calculated to assess if this variant is too frequent to cause the disease. Based on the score and internal cut-off values, a variant classified as benign is not then subjected to further curation. The score for this variant resulted in a classification of benign for this disease.

Athena Diagnostics
Classification: Benign. Last evaluated: 2017-04-11. Review status: criteria provided, single submitter. Criteria: Athena Diagnostics Criteria. Collection method: clinical testing. Allele origin: germline.

Breakthrough Genomics
Classification: Benign. Review status: criteria provided, single submitter. Criteria: ACMG Guidelines, 2015. Collection method: not provided. Allele origin: germline. Inheritance: Autosomal dominant inheritance. Affected: yes.

PreventionGenetics, part of Exact Sciences
Classification: Benign for SEPTIN9-related condition. Last evaluated: 2024-08-08. Review status: no assertion criteria provided. Collection method: clinical testing. Allele origin: germline. Not counted in ClinVar's aggregate classification.
Comment: This variant is classified as benign based on ACMG/AMP sequence variant interpretation guidelines (Richards et al. 2015 PMID: 25741868, with internal and published modifications).

NM_001113491.2(SEPTIN9):c.936C>T (p.Ser312=)

Gene: SEPTIN9 (septin 9; plus strand). Cytogenetic location: 17q25.3.
Variant type: single nucleotide variant.
Coding change: c.936C>T on transcript NM_001113491.2 (MANE Select); coding-DNA position 936, C replaced by T.
Protein change: p.Ser312=; no amino-acid change (serine 312 retained).
Molecular consequence: synonymous variant.
Genome position (GRCh38, 1-based): chr17:77,487,446, C>T. VCF-style: chr17-77487446-C-T. GRCh37 (hg19) VCF-style: chr17-75483528-C-T.
Other names: p.Ser294=; c.444C>T, p.Ser148= (NM_001113492.2, NM_001113494.1); c.915C>T, p.Ser305= (NM_001113493.2); c.183C>T, p.Ser61= (NM_001113495.2, NM_001113496.2, NM_001293697.2 and 1 more transcripts); c.879C>T, p.Ser293= (NM_001293695.2); c.264C>T, p.Ser88= (NM_001293696.2); c.882C>T, p.Ser294= (NM_006640.5).
Identifiers: ClinVar variation 325552 (VCV000325552.19), dbSNP rs3765043, ClinGen allele CA8793615.